The following is an entry in ClinVar:

ClinVar aggregate classification (germline): Uncertain significance (1 of 4 stars; one submission).

Submission:

Labcorp Genetics (formerly Invitae), Labcorp
Classification: Uncertain significance. Last evaluated: 2022-06-08. Review status: criteria provided, single submitter. Criteria: Invitae Variant Classification Sherloc (09022015). Collection method: clinical testing. Allele origin: germline.
Comment: This sequence change replaces phenylalanine, which is neutral and non-polar, with valine, which is neutral and non-polar, at codon 665 of the TNNI3K protein (p.Phe665Val). This variant is not present in population databases (gnomAD no frequency). This variant has not been reported in the literature in individuals affected with TNNI3K-related conditions. Algorithms developed to predict the effect of missense changes on protein structure and function (SIFT, PolyPhen-2, Align-GVGD) all suggest that this variant is likely to be disruptive. In summary, the available evidence is currently insufficient to determine the role of this variant in disease. Therefore, it has been classified as a Variant of Uncertain Significance.

NM_015978.3(TNNI3K):c.1993T>G (p.Phe665Val)

Genes: FPGT-TNNI3K (FPGT-TNNI3K readthrough; plus strand), TNNI3K (TNNI3 interacting kinase; plus strand). Cytogenetic location: 1p31.1.
Variant type: single nucleotide variant.
Coding change: c.1993T>G on transcript NM_015978.3 (MANE Select); coding-DNA position 1993, T replaced by G.
Protein change: p.Phe665Val; replaces phenylalanine 665 with valine.
Molecular consequence: missense variant.
Genome position (GRCh38, 1-based): chr1:74,439,604, T>G. VCF-style: chr1-74439604-T-G. GRCh37 (hg19) VCF-style: chr1-74905288-T-G.
Other names: c.2296T>G, p.Phe766Val (NM_001112808.3, NM_001199327.2); short protein forms F665V, F766V.
Identifiers: ClinVar variation 2002750 (VCV002002750.4), dbSNP rs2524734639, ClinGen allele CA340790011.
Genomic context (GRCh38, chr1:74,439,604, plus strand): 5'-AAAGCAGATGTCTTCAGCTATGCTCTGTGTCTGTGGGAAATTCTCACTGGCGAAATTCCA[T>G]TCGCTCATCTCAAGCCAGGTAAGACACACTGCAATTGAAGTTTTCCTGTTTTACAGAGTT-3'
Protein context (NP_057062.1, residues 655-675): LWEILTGEIP[Phe665Val]AHLKPAAAAA